The following is an entry in ClinVar:

ClinVar aggregate classification (germline): Uncertain significance (1 of 4 stars; one submission).

Conditions:
Aicardi-Goutieres syndrome 7 (AGS7). Identifiers: Orphanet 51, MedGen C3888244, MONDO:0014367, OMIM 615846.
Singleton-Merten syndrome 1 (SGMRT1). Also called: Widened medullary cavities of bone, aortic calcification, abnormal dentition, and muscular weakness; Syndrome of widened medullary cavities of the metacarpals and phalanges, aortic calcification and abnormal dentition. Identifiers: Orphanet 85191, MedGen C4225427, MONDO:0024535, OMIM 182250.

Submission:

Labcorp Genetics (formerly Invitae), Labcorp
Classification: Uncertain significance for Aicardi-Goutieres syndrome 7; Singleton-Merten syndrome 1. Last evaluated: 2025-06-15. Review status: criteria provided, single submitter. Criteria: Invitae Variant Classification Sherloc (09022015). Collection method: clinical testing. Allele origin: germline.
Comment: This sequence change replaces histidine, which is basic and polar, with serine, which is neutral and polar, at codon 460 of the IFIH1 protein (p.His460Ser). Information on the frequency of this variant in the gnomAD database is not available, as this variant may be reported differently in the database. This variant has not been reported in the literature in individuals affected with IFIH1-related conditions. An algorithm developed to predict the effect of missense changes on protein structure and function (PolyPhen-2) suggests that this variant is likely to be tolerated. In summary, the available evidence is currently insufficient to determine the role of this variant in disease. Therefore, it has been classified as a Variant of Uncertain Significance.

NM_022168.4(IFIH1):c.1378_1379delinsAG (p.His460Ser)

Gene: IFIH1 (interferon induced with helicase C domain 1; minus strand). Cytogenetic location: 2q24.2.
Variant type: Indel.
Coding change: c.1378_1379delinsAG on transcript NM_022168.4 (MANE Select); coding-DNA positions 1378 to 1379, CA replaced by AG.
Protein change: p.His460Ser; replaces histidine 460 with serine.
Molecular consequence: missense variant.
Genome position (GRCh38, 1-based): chr2:162,281,473-162,281,474, TG replaced by CT on the plus strand (CA replaced by AG on the coding strand, the reverse complement: IFIH1 is on the minus strand). VCF-style: chr2-162281473-TG-CT. GRCh37 (hg19) VCF-style: chr2-163137983-TG-CT.
Other names: short protein forms H460S.
Identifiers: ClinVar variation 4785243 (VCV004785243.1).
Genomic context (GRCh38, chr2:162,281,473, plus strand): 5'-GGAATCACTGGTTTGTTTTCTTTCTTGAGTCTATTGTTTTTCAACTTCTGCATCAAATAA[TG>CT]CCTCATGATGTTATTATACACTGCTTCTTTGTTGGTGTGATGACATTCATCAATGATAAT-3'
Protein context (NP_071451.2, residues 450-470): KEAVYNNIMR[His460Ser]YLMQKLKNNR